The following is an entry in ClinVar:

NM_015981.4(CAMK2A):c.793G>T (p.Ala265Ser)

Gene: CAMK2A (calcium/calmodulin dependent protein kinase II alpha; minus strand). Cytogenetic location: 5q32.
Variant type: single nucleotide variant.
Coding change: c.793G>T on transcript NM_015981.4 (MANE Select); coding-DNA position 793, G replaced by T.
Protein change: p.Ala265Ser; replaces alanine 265 with serine.
Molecular consequence: missense variant.
Genome position (GRCh38, 1-based): chr5:150,250,711, C>A on the plus strand (G>T on the coding strand, the complement: CAMK2A is on the minus strand). VCF-style: chr5-150250711-C-A. GRCh37 (hg19) VCF-style: chr5-149630274-C-A.
Other names: c.793G>T, p.Ala265Ser (NM_001363989.1, NM_001363990.1, NM_001369025.2 and 1 more transcripts); short protein forms A265S.
Identifiers: ClinVar variation 4819180 (VCV004819180.1).
Genomic context (GRCh38, chr5:150,250,711, plus strand): 5'-GGGGCTCCTGGGAGAAGTCCTGCTGAGGAAGGCTCACCGAGATCCAGGGGTGCTTAAGGG[C>A]TTCGGCAGCTGTGATGCGTTTGGATGGGTTAATGGTCAGCATCTTATTGATCAGATCCTT-3'
Protein context (NP_057065.2, residues 255-275): NPSKRITAAE[Ala265Ser]LKHPWISHRS

ClinVar aggregate classification (germline): Uncertain significance (1 of 4 stars; one submission).

Conditions:
Intellectual developmental disorder, autosomal dominant 53. Also called: MENTAL RETARDATION, AUTOSOMAL DOMINANT 53; Intellectual disability, autosomal dominant 53. Identifiers: MedGen C4540481, MONDO:0030919, OMIM 617798.

Submission:

Institute of Human Genetics, University of Leipzig Medical Center
Classification: Uncertain significance for Intellectual developmental disorder, autosomal dominant 53. Last evaluated: 2026-02-23. Review status: criteria provided, single submitter. Criteria: ACMG Guidelines, 2015. Collection method: clinical testing. Allele origin: unknown. Inheritance: Autosomal dominant inheritance. Affected: yes.
Comment: Criteria applied: PM2,PP2,PP3